The following is an entry in ClinVar:

ClinVar aggregate classification (germline): Uncertain significance. Review status: criteria provided, multiple submitters, no conflicts (2 of 4 stars). 3 submissions from 3 submitters: Uncertain significance (2). 1 of the submissions does not count toward it. Last evaluated 2022-05-03.

Conditions:
Otitis media, susceptibility to (OMS). Also called: COME/ROM; OTITIS MEDIA, CHRONIC/RECURRENT. Identifiers: MedGen C1833692, MONDO:0008162, OMIM 166760.

Allele frequency attached by ClinVar (database versions not stated): gnomAD exomes below 0.00001; gnomAD 0.00001.

Submissions (3):

Labcorp Genetics (formerly Invitae), Labcorp
Classification: Uncertain significance. Last evaluated: 2022-05-03. Review status: criteria provided, single submitter. Criteria: Invitae Variant Classification Sherloc (09022015). Collection method: clinical testing. Allele origin: germline.
Comment: This variant is present in population databases (rs483352823, gnomAD 0.0009%). This missense change has been observed in individual(s) with clinical features of neuro-cardio-facio-cutaneous syndromes (PMID: 24896146). ClinVar contains an entry for this variant (Variation ID: 120252). Algorithms developed to predict the effect of missense changes on protein structure and function output the following: SIFT: "Tolerated"; PolyPhen-2: "Benign"; Align-GVGD: "Class C0". The asparagine amino acid residue is found in multiple mammalian species, which suggests that this missense change does not adversely affect protein function. In summary, the available evidence is currently insufficient to determine the role of this variant in disease. Therefore, it has been classified as a Variant of Uncertain Significance. This sequence change replaces aspartic acid, which is acidic and polar, with asparagine, which is neutral and polar, at codon 640 of the A2ML1 protein (p.Asp640Asn).

Fulgent Genetics
Classification: Uncertain significance for Otitis media, susceptibility to. Last evaluated: 2021-07-30. Review status: criteria provided, single submitter. Criteria: ACMG Guidelines, 2015. Collection method: clinical testing. Allele origin: unknown.

Institute of Molecular Pathology and Immunology of the University of Porto (IPATIMUP)
No classification provided. Review status: no classification provided. Collection method: not provided. Allele origin: germline. Not counted in ClinVar's aggregate classification.

Literature cited by the submitters: PubMed 24896146 (cited by Labcorp Genetics (formerly Invitae), Labcorp).

NM_144670.6(A2ML1):c.1918G>A (p.Asp640Asn)

Gene: A2ML1 (alpha-2-macroglobulin like 1; plus strand). Cytogenetic location: 12p13.31.
Variant type: single nucleotide variant.
Coding change: c.1918G>A on transcript NM_144670.6 (MANE Select); coding-DNA position 1918, G replaced by A.
Protein change: p.Asp640Asn; replaces aspartic acid 640 with asparagine.
Molecular consequence: missense variant.
Genome position (GRCh38, 1-based): chr12:8,848,804, G>A. VCF-style: chr12-8848804-G-A. GRCh37 (hg19) VCF-style: chr12-9001400-G-A.
Other names: c.445G>A, p.Asp149Asn (NM_001282424.3); short protein forms D640N, D149N.
Identifiers: ClinVar variation 120252 (VCV000120252.7), dbSNP rs483352823, ClinGen allele CA230640.